The following is an entry in ClinVar:

NM_001848.3(COL6A1):c.1A>T (p.Met1Leu)

Gene: COL6A1 (collagen type VI alpha 1 chain; plus strand). Cytogenetic location: 21q22.3.
Variant type: single nucleotide variant.
Coding change: c.1A>T on transcript NM_001848.3 (MANE Select); coding-DNA position 1, A replaced by T.
Protein change: p.Met1Leu; changes the start codon (methionine 1).
Molecular consequence: missense variant, initiator codon variant.
Genome position (GRCh38, 1-based): chr21:45,981,851, A>T. VCF-style: chr21-45981851-A-T. GRCh37 (hg19) VCF-style: chr21-47401765-A-T.
Other names: short protein forms M1L.
Identifiers: ClinVar variation 1522832 (VCV001522832.8), dbSNP rs2123459059, ClinGen allele CA410513700.
Genomic context (GRCh38, chr21:45,981,851, plus strand): 5'-GGCGGCGGCGGCGGCCCACTCTGCCCTGGCCGCGCTGTGTGGTGACCGCAGGCCCCAGAC[A>T]TGAGGGCGGCCCGTGCTCTGCTGCCCCTGCTGCTGCAGGCCTGCTGGACAGCCGCGCAGG-3'
Protein context (NP_001839.2, residues 1-11): [Met1Leu]RAARALLPLL

ClinVar aggregate classification (germline): Uncertain significance. Review status: criteria provided, multiple submitters, no conflicts (2 of 4 stars). 2 submissions from 2 submitters: Uncertain significance (2). Last evaluated 2026-08-06.

Conditions:
Bethlem myopathy 1A. Also called: MYOPATHY, BENIGN CONGENITAL, WITH CONTRACTURES; Bethlem Muscular Dystrophy; Bethlem myopathy 1. Identifiers: Orphanet 610, MedGen CN029274, MONDO:0024530, OMIM 158810.

Submissions (2):

OLLIN Analises Genomicas, OLLIN
Classification: Uncertain significance for Bethlem myopathy 1A. Last evaluated: 2026-08-06. Review status: criteria provided, single submitter. Criteria: ACMG Guidelines 2015 PMID 25741868. Collection method: clinical testing. Allele origin: germline. Inheritance: Autosomal dominant inheritance.
Comment: This variant, located in exon 1 (of 35), is absent from gnomAD and has not been identified in the literature. However, it has been reported in ClinVar (accession VCV001522832.7). According to the currently available evidence, this variant has been classified as uncertain significance (PVS1_M, PM2_P).

Labcorp Genetics (formerly Invitae), Labcorp
Classification: Uncertain significance for Bethlem myopathy 1A. Last evaluated: 2022-07-19. Review status: criteria provided, single submitter. Criteria: Invitae Variant Classification Sherloc (09022015). Collection method: clinical testing. Allele origin: germline.
Comment: This variant is not present in population databases (gnomAD no frequency). This sequence change affects the initiator methionine of the COL6A1 mRNA. The next in-frame methionine is located at codon 106. In summary, the available evidence is currently insufficient to determine the role of this variant in disease. Therefore, it has been classified as a Variant of Uncertain Significance. Experimental studies and prediction algorithms are not available or were not evaluated, and the functional significance of this variant is currently unknown. ClinVar contains an entry for this variant (Variation ID: 1522832). Disruption of the initiator codon has been observed in individual(s) with clinical features of autosomal recessive COL6A1-related conditions (Invitae).